The following is an entry in ClinVar:

ClinVar aggregate classification (germline): Uncertain significance (1 of 4 stars; one submission).

Conditions:
Hereditary cancer-predisposing syndrome. Also called: Neoplastic Syndromes, Hereditary; Tumor predisposition; Hereditary neoplastic syndrome; Hereditary Cancer Syndrome. Identifiers: Orphanet 140162, MedGen C0027672, MeSH D009386, MONDO:0015356.

gnomAD v4.1: 1 of 1,613,286 alleles (0.000062%); highest among the groups gnomAD compares: Non-Finnish European, 0.000085%; no homozygotes.

Submission:

Ambry Genetics
Classification: Uncertain significance for Hereditary cancer-predisposing syndrome. Last evaluated: 2026-08-20. Review status: criteria provided, single submitter. Criteria: Ambry Variant Classification Scheme 2023. Collection method: clinical testing. Allele origin: germline.
Comment: The p.G307S variant (also known as c.919G>A), located in coding exon 10 of the BAP1 gene, results from a G to A substitution at nucleotide position 919. The glycine at codon 307 is replaced by serine, an amino acid with similar properties. This amino acid position is conserved. In addition, this alteration is predicted to be tolerated by in silico analysis. Based on the available evidence, the clinical significance of this variant remains unclear.

NM_004656.4(BAP1):c.919G>A (p.Gly307Ser)

Gene: BAP1 (BRCA1 associated deubiquitinase 1; minus strand). Cytogenetic location: 3p21.1.
Variant type: single nucleotide variant.
Coding change: c.919G>A on transcript NM_004656.4 (MANE Select); coding-DNA position 919, G replaced by A.
Protein change: p.Gly307Ser; replaces glycine 307 with serine.
Molecular consequence: missense variant.
Genome position (GRCh38, 1-based): chr3:52,405,777, C>T on the plus strand (G>A on the coding strand, the complement: BAP1 is on the minus strand). VCF-style: chr3-52405777-C-T. GRCh37 (hg19) VCF-style: chr3-52439793-C-T.
Other names: c.865G>A, p.Gly289Ser (NM_001410772.1); short protein forms G289S, G307S.
Identifiers: ClinVar variation 5032750 (VCV005032750.1).